The following is an entry in ClinVar:

ClinVar aggregate classification (germline): Uncertain significance (1 of 4 stars; one submission).

Conditions:
Left ventricular noncompaction 8 (LVNC8). Identifiers: Orphanet 154, Orphanet 54260, MedGen C3809288, MONDO:0014152, OMIM 615373.

Submission:

Labcorp Genetics (formerly Invitae), Labcorp
Classification: Uncertain significance for Left ventricular noncompaction 8. Last evaluated: 2021-02-01. Review status: criteria provided, single submitter. Criteria: Invitae Variant Classification Sherloc (09022015). Collection method: clinical testing. Allele origin: germline.
Comment: This sequence change replaces lysine with asparagine at codon 1004 of the PRDM16 protein (p.Lys1004Asn). The lysine residue is highly conserved and there is a moderate physicochemical difference between lysine and asparagine. This variant is not present in population databases (ExAC no frequency). This variant has not been reported in the literature in individuals with PRDM16-related conditions. Algorithms developed to predict the effect of missense changes on protein structure and function are either unavailable or do not agree on the potential impact of this missense change (SIFT: "Deleterious"; PolyPhen-2: "Probably Damaging"; Align-GVGD: "Class C0"). In summary, the available evidence is currently insufficient to determine the role of this variant in disease. Therefore, it has been classified as a Variant of Uncertain Significance.

NM_022114.4(PRDM16):c.3012G>T (p.Lys1004Asn)

Gene: PRDM16 (PR/SET domain 16; plus strand). Cytogenetic location: 1p36.32.
Variant type: single nucleotide variant.
Coding change: c.3012G>T on transcript NM_022114.4 (MANE Select); coding-DNA position 3012, G replaced by T.
Protein change: p.Lys1004Asn; replaces lysine 1004 with asparagine.
Molecular consequence: missense variant.
Genome position (GRCh38, 1-based): chr1:3,425,653, G>T. VCF-style: chr1-3425653-G-T. GRCh37 (hg19) VCF-style: chr1-3342217-G-T.
Other names: c.3012G>T, p.Lys1004Asn (NM_199454.3); short protein forms K1004N.
Identifiers: ClinVar variation 1406528 (VCV001406528.8), dbSNP rs2100692336, ClinGen allele CA338002261.